The following is an entry in ClinVar:

ClinVar aggregate classification (germline): Uncertain significance (1 of 4 stars; one submission).

Conditions:
Inborn genetic diseases. Identifiers: MedGen C0950123, MeSH D030342.

gnomAD v4.1: 24 of 1,613,216 alleles (0.0015%); highest among the groups gnomAD compares: Non-Finnish European, 0.002%; no homozygotes.

Submission:

Ambry Genetics
Classification: Uncertain significance for Inborn genetic diseases. Last evaluated: 2025-10-21. Review status: criteria provided, single submitter. Criteria: Ambry Variant Classification Scheme 2023. Collection method: clinical testing. Allele origin: germline.
Comment: The c.1633G>A (p.A545T) alteration is located in exon 18 (coding exon 17) of the TLK2 gene. This alteration results from a G to A substitution at nucleotide position 1633, causing the alanine (A) at amino acid position 545 to be replaced by a threonine (T). Based on data from gnomAD, the A allele has an overall frequency of 0.003% (1/31398) total alleles studied. The highest observed frequency was 0.007% (1/15426) of European (non-Finnish) alleles. Based on insufficient or conflicting evidence, the clinical significance of this alteration remains unclear.

NM_006852.6(TLK2):c.1633G>A (p.Ala545Thr)

Gene: TLK2 (tousled like kinase 2; plus strand). Cytogenetic location: 17q23.2.
Variant type: single nucleotide variant.
Coding change: c.1633G>A on transcript NM_006852.6 (MANE Select); coding-DNA position 1633, G replaced by A.
Protein change: p.Ala545Thr; replaces alanine 545 with threonine.
Molecular consequence: missense variant.
Genome position (GRCh38, 1-based): chr17:62,600,733, G>A. VCF-style: chr17-62600733-G-A. GRCh37 (hg19) VCF-style: chr17-60678094-G-A.
Other names: c.1699G>A, p.Ala567Thr (NM_001284333.3); c.1537G>A, p.Ala513Thr (NM_001284363.1, NM_001375272.1, NM_001438203.1 and 1 more transcripts); c.1186G>A, p.Ala396Thr (NM_001330418.3, NM_001375273.1); c.1675G>A, p.Ala559Thr (NM_001375269.1); c.1633G>A, p.Ala545Thr (NM_001375270.1, NM_001375271.1); c.1348G>A, p.Ala450Thr (NM_001411074.1); c.1444G>A, p.Ala482Thr (NM_001438205.1); short protein forms A396T, A559T, A450T, A482T, A567T, A545T, A513T.
Identifiers: ClinVar variation 4633164 (VCV004633164.1).